The following is an entry in ClinVar:

NM_199420.4(POLQ):c.2936A>T (p.Glu979Val)

Gene: POLQ (DNA polymerase theta; minus strand). Cytogenetic location: 3q13.33.
Variant type: single nucleotide variant.
Coding change: c.2936A>T on transcript NM_199420.4 (MANE Select); coding-DNA position 2936, A replaced by T.
Protein change: p.Glu979Val; replaces glutamic acid 979 with valine.
Molecular consequence: missense variant.
Genome position (GRCh38, 1-based): chr3:121,489,995, T>A on the plus strand (A>T on the coding strand, the complement: POLQ is on the minus strand). VCF-style: chr3-121489995-T-A. GRCh37 (hg19) VCF-style: chr3-121208842-T-A.
Other names: short protein forms E979V.
Identifiers: ClinVar variation 1797863 (VCV001797863.3), dbSNP rs904695262, ClinGen allele CA81836732.
Genomic context (GRCh38, chr3:121,489,995, plus strand): 5'-TCTTTATTTATATCTAAAGAGGCCCGTTTTCTTGCTCTGAAAATGGAACATGTCTGATGT[T>A]CTTGATTCCCATTCTGGAAATTACAATTAAAGGAACTTGTATGCTCTCTACTTTTATTTA-3'
Protein context (NP_955452.3, residues 969-989): FNCNFQNGNQ[Glu979Val]HQTCSIFRAR

ClinVar aggregate classification (germline): Uncertain significance (1 of 4 stars; one submission).

Allele frequency attached by ClinVar (database versions not stated): gnomAD exomes below 0.00001; TOPMed 0.00001.
gnomAD v4.1: 4 of 1,581,414 alleles (0.00025%); highest among the groups gnomAD compares: Non-Finnish European, 0.00034%; no homozygotes.

Submission:

Ambry Genetics
Classification: Uncertain significance. Last evaluated: 2024-10-11. Review status: criteria provided, single submitter. Criteria: Ambry Variant Classification Scheme 2023. Collection method: clinical testing. Allele origin: germline.
Comment: The p.E979V variant (also known as c.2936A>T), located in coding exon 16 of the POLQ gene, results from an A to T substitution at nucleotide position 2936. The glutamic acid at codon 979 is replaced by valine, an amino acid with dissimilar properties. This amino acid position is conserved. In addition, this alteration is predicted to be tolerated by in silico analysis. Since supporting evidence is limited at this time, the clinical significance of this alteration remains unclear.